The following is an entry in ClinVar:

ClinVar aggregate classification (germline): Uncertain significance (1 of 4 stars; one submission).

Conditions:
Inborn genetic diseases. Identifiers: MedGen C0950123, MeSH D030342.

Submission:

Ambry Genetics
Classification: Uncertain significance for Inborn genetic diseases. Last evaluated: 2023-11-06. Review status: criteria provided, single submitter. Criteria: Ambry Variant Classification Scheme 2023. Collection method: clinical testing. Allele origin: germline.
Comment: The p.G2488S variant (also known as c.7462G>A), located in coding exon 33 of the CHD7 gene, results from a G to A substitution at nucleotide position 7462. The glycine at codon 2488 is replaced by serine, an amino acid with similar properties. This amino acid position is conserved. In addition, the in silico prediction for this alteration is inconclusive. Since supporting evidence is limited at this time, the clinical significance of this alteration remains unclear.

NM_017780.4(CHD7):c.7462G>A (p.Gly2488Ser)

Gene: CHD7 (chromodomain helicase DNA binding protein 7; plus strand). Cytogenetic location: 8q12.2.
Variant type: single nucleotide variant.
Coding change: c.7462G>A on transcript NM_017780.4 (MANE Select); coding-DNA position 7462, G replaced by A.
Protein change: p.Gly2488Ser; replaces glycine 2488 with serine.
Molecular consequence: missense variant. On other transcripts: intron variant (1).
Genome position (GRCh38, 1-based): chr8:60,856,742, G>A. VCF-style: chr8-60856742-G-A. GRCh37 (hg19) VCF-style: chr8-61769301-G-A.
Other names: c.1717-5487G>A (NM_001316690.1); short protein forms G2488S.
Identifiers: ClinVar variation 3227042 (VCV003227042.1), dbSNP rs2488076785, ClinGen allele CA371301854.